The following is an entry in ClinVar:

ClinVar aggregate classification (germline): Likely benign. Review status: criteria provided, single submitter (1 of 4 stars). 2 submissions from 2 submitters: Likely benign (1). 1 of the submissions does not count toward it. Last evaluated 2025-09-22.

Conditions:
PCK2-related disorder. Also called: PCK2-related condition.

Allele frequency attached by ClinVar (database versions not stated): gnomAD exomes 0.00004; TOPMed 0.00006; gnomAD 0.00005; ExAC 0.00008; 1000 Genomes Project 30x 0.00016; 1000 Genomes Project 0.00020.
gnomAD v4.1: 64 of 1,613,902 alleles (0.004%); highest among the groups gnomAD compares: South Asian, 0.02%; no homozygotes.

Submissions (2):

Labcorp Genetics (formerly Invitae), Labcorp
Classification: Likely benign. Last evaluated: 2025-09-22. Review status: criteria provided, single submitter. Criteria: Invitae Variant Classification Sherloc (09022015). Collection method: clinical testing. Allele origin: germline.

PreventionGenetics, part of Exact Sciences
Classification: Likely benign for PCK2-related condition. Last evaluated: 2019-09-26. Review status: no assertion criteria provided. Collection method: clinical testing. Allele origin: germline. Not counted in ClinVar's aggregate classification.
Comment: This variant is classified as likely benign based on ACMG/AMP sequence variant interpretation guidelines (Richards et al. 2015 PMID: 25741868, with internal and published modifications).

NM_004563.4(PCK2):c.1234+8C>T

Genes: PCK2 (phosphoenolpyruvate carboxykinase 2, mitochondrial; plus strand), NRL (neural retina leucine zipper; minus strand). Cytogenetic location: 14q12.
Variant type: single nucleotide variant.
Coding change: c.1234+8C>T on transcript NM_004563.4 (MANE Select); 8 bases into the intron after coding-DNA position 1234, C replaced by T.
Molecular consequence: intron variant. On other transcripts: synonymous variant (1).
Genome position (GRCh38, 1-based): chr14:24,100,221, C>T. VCF-style: chr14-24100221-C-T. GRCh37 (hg19) VCF-style: chr14-24569430-C-T.
Other names: c.1242C>T, p.Cys414= (NM_001018073.3); c.-28+14501G>A (NM_001354768.3, NM_001354770.2); c.-254+14501G>A (NM_006177.5); c.832+8C>T (NM_001308054.2, NM_001291556.2).
Identifiers: ClinVar variation 2861686 (VCV002861686.5), dbSNP rs541317046, ClinGen allele CA7123394.